The following is an entry in ClinVar:

NM_001283009.2(RTEL1):c.622C>A (p.Pro208Thr)

Genes: RTEL1 (regulator of telomere elongation helicase 1; plus strand), RTEL1-TNFRSF6B (RTEL1-TNFRSF6B readthrough (NMD candidate); plus strand). Cytogenetic location: 20q13.33.
Variant type: single nucleotide variant.
Coding change: c.622C>A on transcript NM_001283009.2 (MANE Select); coding-DNA position 622, C replaced by A.
Protein change: p.Pro208Thr; replaces proline 208 with threonine.
Molecular consequence: missense variant. On other transcripts: non-coding transcript variant (1), 5 prime UTR variant (1).
Genome position (GRCh38, 1-based): chr20:63,667,476, C>A. VCF-style: chr20-63667476-C-A. GRCh37 (hg19) VCF-style: chr20-62298829-C-A.
Other names: c.-48C>A (NM_001283010.1); c.622C>A, p.Pro208Thr (NM_016434.4); c.694C>A, p.Pro232Thr (NM_032957.5); short protein forms P232T, P208T.
Identifiers: ClinVar variation 3791045 (VCV003791045.1).

ClinVar aggregate classification (germline): Uncertain significance (1 of 4 stars; one submission).

Conditions:
Inborn genetic diseases. Identifiers: MedGen C0950123, MeSH D030342.

Submission:

Ambry Genetics
Classification: Uncertain significance for Inborn genetic diseases. Last evaluated: 2025-01-08. Review status: criteria provided, single submitter. Criteria: Ambry Variant Classification Scheme 2023. Collection method: clinical testing. Allele origin: germline.
Comment: The p.P208T variant (also known as c.622C>A), located in coding exon 7 of the RTEL1 gene, results from a C to A substitution at nucleotide position 622. The proline at codon 208 is replaced by threonine, an amino acid with highly similar properties. This amino acid position is conserved. In addition, this alteration is predicted to be deleterious by in silico analysis. Based on the available evidence, the clinical significance of this variant remains unclear.